The following is an entry in ClinVar:

NM_001457.4(FLNB):c.3351C>T (p.His1117=)

Gene: FLNB (filamin B; plus strand). Cytogenetic location: 3p14.3.
Variant type: single nucleotide variant.
Coding change: c.3351C>T on transcript NM_001457.4 (MANE Select); coding-DNA position 3351, C replaced by T.
Protein change: p.His1117=; no amino-acid change (histidine 1117 retained).
Molecular consequence: synonymous variant.
Genome position (GRCh38, 1-based): chr3:58,123,317, C>T. VCF-style: chr3-58123317-C-T. GRCh37 (hg19) VCF-style: chr3-58109044-C-T.
Other names: c.3351C>T (NM_001457.3); c.3351C>T, p.His1117= (NM_001164317.2, NM_001164318.2, NM_001164319.2).
Identifiers: ClinVar variation 1903516 (VCV001903516.30), dbSNP rs748805296, ClinGen allele CA2468394.

ClinVar aggregate classification (germline): Likely benign. Review status: criteria provided, multiple submitters, no conflicts (2 of 4 stars). 4 submissions from 4 submitters: Likely benign (3). 1 of the submissions does not count toward it. Last evaluated 2024-12-12.

Conditions:
FLNB-related disorder. Also called: FLNB-related condition; FLNB-related disorders. Identifiers: MedGen CN381095.

Allele frequency attached by ClinVar (database versions not stated): gnomAD exomes below 0.00001; TOPMed below 0.00001; ExAC 0.00001; gnomAD 0.00001.
gnomAD v4.1: 15 of 1,614,072 alleles (0.00093%); highest among the groups gnomAD compares: South Asian, 0.0055%; no homozygotes.

Submissions (4):

Labcorp Genetics (formerly Invitae), Labcorp
Classification: Likely benign. Last evaluated: 2024-12-12. Review status: criteria provided, single submitter. Criteria: Invitae Variant Classification Sherloc (09022015). Collection method: clinical testing. Allele origin: germline.

Blueprint Genetics
Classification: Likely benign. Last evaluated: 2024-03-22. Review status: criteria provided, single submitter. Criteria: ACMG Guidelines, 2015. Collection method: clinical testing. Allele origin: germline.

CeGaT Center for Human Genetics Tuebingen
Classification: Likely benign. Last evaluated: 2023-03-01. Review status: criteria provided, single submitter. Criteria: CeGaT Center For Human Genetics Tuebingen Variant Classification Criteria Version 2. Collection method: clinical testing. Allele origin: germline. Affected: yes. Observed: 1 variant allele.
Comment: FLNB: BP4, BP7

PreventionGenetics, part of Exact Sciences
Classification: Likely benign for FLNB-related condition. Last evaluated: 2024-06-11. Review status: no assertion criteria provided. Collection method: clinical testing. Allele origin: germline. Not counted in ClinVar's aggregate classification.
Comment: This variant is classified as likely benign based on ACMG/AMP sequence variant interpretation guidelines (Richards et al. 2015 PMID: 25741868, with internal and published modifications).